The following is an entry in ClinVar:

NM_001003702.3(ARHGEF35):c.1261C>G (p.Leu421Val)

Gene: ARHGEF35 (Rho guanine nucleotide exchange factor 35; minus strand). Cytogenetic location: 7q35.
Variant type: single nucleotide variant.
Coding change: c.1261C>G on transcript NM_001003702.3 (MANE Select); coding-DNA position 1261, C replaced by G.
Protein change: p.Leu421Val; replaces leucine 421 with valine.
Molecular consequence: missense variant.
Genome position (GRCh38, 1-based): chr7:144,187,123, G>C on the plus strand (C>G on the coding strand, the complement: ARHGEF35 is on the minus strand). VCF-style: chr7-144187123-G-C. GRCh37 (hg19) VCF-style: chr7-143884216-G-C.
Other names: c.1261C>G, p.Leu421Val (NM_001368318.1); short protein forms L421V.
Identifiers: ClinVar variation 2658123 (VCV002658123.24), dbSNP rs200777966, ClinGen allele CA4543264.

ClinVar aggregate classification (germline): Likely benign (1 of 4 stars; one submission).

Allele frequency attached by ClinVar (database versions not stated): 1000 Genomes Project 0.00120; 1000 Genomes Project 30x 0.00156; ESP Exome Variant Server 0.00303.

Submission:

CeGaT Center for Human Genetics Tuebingen
Classification: Likely benign. Last evaluated: 2023-03-01. Review status: criteria provided, single submitter. Criteria: CeGaT Center For Human Genetics Tuebingen Variant Classification Criteria Version 2. Collection method: clinical testing. Allele origin: germline. Affected: yes. Observed: 2 variant alleles.
Comment: ARHGEF35: BP4, BS2